The following is an entry in ClinVar:

ClinVar aggregate classification (germline): Uncertain significance (1 of 4 stars; one submission).

Conditions:
Familial cold autoinflammatory syndrome 2 (FCAS2). Identifiers: Orphanet 247868, MedGen C2673198, MONDO:0012724, OMIM 611762.

Allele frequency attached by ClinVar (database versions not stated): gnomAD exomes below 0.00001; gnomAD 0.00001.
gnomAD v4.1: 2 of 1,613,560 alleles (0.00012%); highest among the groups gnomAD compares: Non-Finnish European, 0.00017%; no homozygotes.

Submission:

Labcorp Genetics (formerly Invitae), Labcorp
Classification: Uncertain significance for Familial cold autoinflammatory syndrome 2. Last evaluated: 2022-06-27. Review status: criteria provided, single submitter. Criteria: Invitae Variant Classification Sherloc (09022015). Collection method: clinical testing. Allele origin: germline.
Comment: This sequence change replaces cysteine, which is neutral and slightly polar, with serine, which is neutral and polar, at codon 873 of the NLRP12 protein (p.Cys873Ser). This variant is not present in population databases (gnomAD no frequency). This variant has not been reported in the literature in individuals affected with NLRP12-related conditions. ClinVar contains an entry for this variant (Variation ID: 1019711). Algorithms developed to predict the effect of missense changes on protein structure and function are either unavailable or do not agree on the potential impact of this missense change (SIFT: "Deleterious"; PolyPhen-2: "Probably Damaging"; Align-GVGD: "Class C0"). In summary, the available evidence is currently insufficient to determine the role of this variant in disease. Therefore, it has been classified as a Variant of Uncertain Significance.

NM_144687.4(NLRP12):c.2618G>C (p.Cys873Ser)

Gene: NLRP12 (NLR family pyrin domain containing 12; minus strand). Cytogenetic location: 19q13.42.
Variant type: single nucleotide variant.
Coding change: c.2618G>C on transcript NM_144687.4 (MANE Select); coding-DNA position 2618, G replaced by C.
Protein change: p.Cys873Ser; replaces cysteine 873 with serine.
Molecular consequence: missense variant.
Genome position (GRCh38, 1-based): chr19:53,801,365, C>G on the plus strand (G>C on the coding strand, the complement: NLRP12 is on the minus strand). VCF-style: chr19-53801365-C-G. GRCh37 (hg19) VCF-style: chr19-54304619-C-G.
Other names: c.2621G>C, p.Cys874Ser (NM_001277126.2); c.2618G>C, p.Cys873Ser (NM_001277129.1); short protein forms C873S, C874S.
Identifiers: ClinVar variation 1019711 (VCV001019711.8), dbSNP rs1008086271, ClinGen allele CA310062029.